The following is an entry in ClinVar:

ClinVar aggregate classification (germline): Conflicting classifications of pathogenicity. Review status: criteria provided, conflicting classifications (1 of 4 stars). 7 submissions from 7 submitters: Uncertain significance (2); Benign (1); Likely benign (4). Last evaluated 2025-12-30.

Conditions:
DYRK1A-related intellectual disability syndrome (MRD7). Also called: Intellectual developmental disorder, autosomal dominant 7; DYRK1A Syndrome. Identifiers: Orphanet 464306, MedGen C5568143, MONDO:0013578, OMIM 614104.
Inborn genetic diseases. Identifiers: MedGen C0950123, MeSH D030342.

Allele frequency attached by ClinVar (database versions not stated): ExAC 0.00001; gnomAD exomes 0.00002; gnomAD 0.00005 and 0.00006; ESP Exome Variant Server 0.00008; TOPMed 0.00008.
gnomAD v4.1: 210 of 1,613,944 alleles (0.013%); highest among the groups gnomAD compares: Non-Finnish European, 0.017%; no homozygotes.

Submissions (7):

Labcorp Genetics (formerly Invitae), Labcorp
Classification: Benign for DYRK1A-related intellectual disability syndrome. Last evaluated: 2025-12-30. Review status: criteria provided, single submitter. Criteria: Invitae Variant Classification Sherloc (09022015). Collection method: clinical testing. Allele origin: germline.

CeGaT Center for Human Genetics Tuebingen
Classification: Likely benign. Last evaluated: 2025-10-01. Review status: criteria provided, single submitter. Criteria: CeGaT Center For Human Genetics Tuebingen Variant Classification Criteria Version 2. Collection method: clinical testing. Allele origin: germline. Affected: yes. Observed: 2 variant alleles.
Comment: DYRK1A: BS1

Blueprint Genetics
Classification: Likely benign. Last evaluated: 2024-09-11. Review status: criteria provided, single submitter. Criteria: ACMG Guidelines, 2015. Collection method: clinical testing. Allele origin: germline.

Ambry Genetics
Classification: Likely benign for Inborn genetic diseases. Last evaluated: 2024-07-30. Review status: criteria provided, single submitter. Criteria: Ambry Variant Classification Scheme 2023. Collection method: clinical testing. Allele origin: germline.

GeneDx
Classification: Likely benign. Last evaluated: 2021-05-18. Review status: criteria provided, single submitter. Criteria: GeneDx Variant Classification Process June 2021. Collection method: clinical testing. Allele origin: germline. Affected: yes.

Athena Diagnostics
Classification: Uncertain significance. Last evaluated: 2019-06-04. Review status: criteria provided, single submitter. Criteria: Athena Diagnostics Criteria. Collection method: clinical testing. Allele origin: germline.

Fulgent Genetics
Classification: Uncertain significance for DYRK1A-related intellectual disability syndrome. Last evaluated: 2018-10-31. Review status: criteria provided, single submitter. Criteria: ACMG Guidelines, 2015. Collection method: clinical testing. Allele origin: unknown.

NM_001347721.2(DYRK1A):c.1762G>A (p.Ala588Thr)

Gene: DYRK1A (dual specificity tyrosine phosphorylation regulated kinase 1A; plus strand). Cytogenetic location: 21q22.13.
Variant type: single nucleotide variant.
Coding change: c.1762G>A on transcript NM_001347721.2 (MANE Select); coding-DNA position 1762, G replaced by A.
Protein change: p.Ala588Thr; replaces alanine 588 with threonine.
Molecular consequence: missense variant. On other transcripts: 3 prime UTR variant (2).
Genome position (GRCh38, 1-based): chr21:37,512,028, G>A. VCF-style: chr21-37512028-G-A. GRCh37 (hg19) VCF-style: chr21-38884331-G-A.
Other names: c.1762G>A, p.Ala588Thr (NM_001347722.2, NM_130436.2); c.1675G>A, p.Ala559Thr (NM_001347723.2); c.1789G>A, p.Ala597Thr (NM_001396.5); c.*165G>A (NM_101395.2); c.*74G>A (NM_130438.2); short protein forms A597T, A588T, A559T.
Identifiers: ClinVar variation 449758 (VCV000449758.43), dbSNP rs200808105, ClinGen allele CA10024093.
Genomic context (GRCh38, chr21:37,512,028, plus strand): 5'-GTCACTGTTGAAACTCATCCTGTTCAAGAAACAACCTTTCATGTAGCCCCTCAACAGAAT[G>A]CATTGCATCATCACCATGGTAACAGTTCCCATCACCATCACCACCACCACCACCATCACC-3'
Protein context (NP_001334650.1, residues 578-598): TTFHVAPQQN[Ala588Thr]LHHHHGNSSH